The following is an entry in ClinVar:

ClinVar aggregate classification (germline): Conflicting classifications of pathogenicity. Review status: criteria provided, conflicting classifications (1 of 4 stars). 11 submissions from 11 submitters: Uncertain significance (1); Benign (1); Likely benign (5). 4 of the submissions do not count toward it. Last evaluated 2026-06-03.

Conditions:
IGF1R-related disorder. Also called: IGF1R-related condition.
Growth delay due to insulin-like growth factor I resistance. Also called: IGF-I RESISTANCE; Somatomedin end-organ insensitivity to; Somatomedin-c resistance to; IGF-1 resistance; Insulin-Like Growth Factor I Resistance. Identifiers: Orphanet 73273, MedGen C1849157, MONDO:0010038, OMIM 270450.

Allele frequency attached by ClinVar (database versions not stated): gnomAD exomes 0.00105; ExAC 0.00118; gnomAD 0.00147 and 0.00148; 1000 Genomes Project 30x 0.00172; 1000 Genomes Project 0.00180; TOPMed 0.00187; ESP Exome Variant Server 0.00208.
gnomAD v4.1: 2,224 of 1,614,194 alleles (0.14%); highest among the groups gnomAD compares: Admixed American, 0.17%; 5 homozygotes.

Submissions (11):

Women's Health and Genetics/Laboratory Corporation of America, LabCorp
Classification: Likely benign. Last evaluated: 2026-06-03. Review status: criteria provided, single submitter. Criteria: LabCorp Variant Classification Summary - May 2015. Collection method: clinical testing. Allele origin: germline.
Comment: Variant summary: IGF1R c.1336A>G (p.Met446Val) results in a conservative amino acid change located in the Receptor L-domain (IPR000494) of the encoded protein sequence. Algorithms developed to predict the effect of missense changes on protein structure and function are either unavailable or do not agree on the potential impact of this missense change. The variant allele was found at a frequency of 0.0011 in 251244 control chromosomes in the gnomAD database, including 1 homozygotes. c.1336A>G has been reported in the literature in one individual affected with Nodular melanoma, without strong evidence for causality (Stark_2024). These report(s) do not provide unequivocal conclusions about association of the variant with Growth Delay Due To Insulin-Like Growth Factor I Resistance. To our knowledge, no experimental evidence demonstrating an impact on protein function has been reported. The following publication have been ascertained in the context of this evaluation (PMID: 37766469). ClinVar contains an entry for this variant (Variation ID: 282332). Based on the evidence outlined above, the variant was classified as likely benign.

Labcorp Genetics (formerly Invitae), Labcorp
Classification: Likely benign. Last evaluated: 2026-01-05. Review status: criteria provided, single submitter. Criteria: Invitae Variant Classification Sherloc (09022015). Collection method: clinical testing. Allele origin: germline.

CeGaT Center for Human Genetics Tuebingen
Classification: Likely benign. Last evaluated: 2025-12-01. Review status: criteria provided, single submitter. Criteria: CeGaT Center For Human Genetics Tuebingen Variant Classification Criteria Version 2. Collection method: clinical testing. Allele origin: germline. Affected: yes. Observed: 6 variant alleles.
Comment: IGF1R: BS2

Blueprint Genetics
Classification: Likely benign. Last evaluated: 2024-10-25. Review status: criteria provided, single submitter. Criteria: ACMG Guidelines, 2015. Collection method: clinical testing. Allele origin: germline.

Institute for Clinical Genetics, University Hospital TU Dresden, University Hospital TU Dresden
Classification: Uncertain significance. Last evaluated: 2021-11-03. Review status: criteria provided, single submitter. Criteria: ACMG Guidelines, 2015. Collection method: clinical testing. Allele origin: germline.

Illumina Laboratory Services, Illumina
Classification: Benign for Growth delay due to insulin-like growth factor I resistance. Last evaluated: 2017-04-27. Review status: criteria provided, single submitter. Criteria: ICSL Variant Classification Criteria 13 December 2019. Collection method: clinical testing. Allele origin: germline.
Comment: This variant was observed as part of a predisposition screen in an ostensibly healthy population. A literature search was performed for the gene, cDNA change, and amino acid change (where applicable). Publications were found based on this search. The evidence from the literature, in combination with allele frequency data from public databases where available, was sufficient to rule this variant out of causing disease. Therefore, this variant is classified as benign.

Eurofins Ntd Llc (ga)
Classification: Likely benign. Last evaluated: 2015-08-14. Review status: criteria provided, single submitter. Criteria: EGL Classification Definitions 2015. Collection method: clinical testing. Allele origin: germline. Observed: 1 variant allele, 1 heterozygote.

PreventionGenetics, part of Exact Sciences
Classification: Likely benign for IGF1R-related condition. Last evaluated: 2022-03-02. Review status: no assertion criteria provided. Collection method: clinical testing. Allele origin: germline. Not counted in ClinVar's aggregate classification.
Comment: This variant is classified as likely benign based on ACMG/AMP sequence variant interpretation guidelines (Richards et al. 2015 PMID: 25741868, with internal and published modifications).

Clinical Genetics DNA and cytogenetics Diagnostics Lab, Erasmus MC, Erasmus Medical Center
Classification: Likely benign. Review status: no assertion criteria provided. Collection method: clinical testing. Allele origin: germline. Affected: yes. Study: VKGL Data-share Consensus. Not counted in ClinVar's aggregate classification.

Diagnostic Laboratory, Department of Genetics, University Medical Center Groningen
Classification: Likely benign. Review status: no assertion criteria provided. Collection method: clinical testing. Allele origin: germline. Affected: yes. Study: VKGL Data-share Consensus. Not counted in ClinVar's aggregate classification.

Laboratory of Diagnostic Genome Analysis, Leiden University Medical Center (LUMC)
Classification: Likely benign. Review status: no assertion criteria provided. Collection method: clinical testing. Allele origin: germline. Affected: yes. Study: VKGL Data-share Consensus. Not counted in ClinVar's aggregate classification.

Literature cited by the submitters: PubMed 37766469 (cited by Women's Health and Genetics/Laboratory Corporation of America, LabCorp); PubMed 21204214 (cited by Illumina Laboratory Services, Illumina and Eurofins Ntd Llc (ga)); PubMed 23771920 (cited by Eurofins Ntd Llc (ga)).

NM_000875.5(IGF1R):c.1336A>G (p.Met446Val)

Gene: IGF1R (insulin like growth factor 1 receptor; plus strand). Cytogenetic location: 15q26.3.
Variant type: single nucleotide variant.
Coding change: c.1336A>G on transcript NM_000875.5 (MANE Select); coding-DNA position 1336, A replaced by G.
Protein change: p.Met446Val; replaces methionine 446 with valine.
Molecular consequence: missense variant.
Genome position (GRCh38, 1-based): chr15:98,908,773, A>G. VCF-style: chr15-98908773-A-G. GRCh37 (hg19) VCF-style: chr15-99452002-A-G.
Other names: c.1336A>G, p.Met446Val (NM_001291858.2); short protein forms M446V.
Identifiers: ClinVar variation 282332 (VCV000282332.53), dbSNP rs117440569, ClinGen allele CA7752073.